The following is an entry in ClinVar:

NM_000492.4(CFTR):c.2062A>T (p.Lys688Ter)

Gene: CFTR (CF transmembrane conductance regulator; plus strand). Cytogenetic location: 7q31.2.
Variant type: single nucleotide variant.
Coding change: c.2062A>T on transcript NM_000492.4 (MANE Select); coding-DNA position 2062, A replaced by T.
Protein change: p.Lys688Ter; replaces lysine 688 with a stop codon.
Molecular consequence: nonsense.
Genome position (GRCh38, 1-based): chr7:117,592,229, A>T. VCF-style: chr7-117592229-A-T. GRCh37 (hg19) VCF-style: chr7-117232283-A-T.
Other names: short protein forms K688*.
Identifiers: ClinVar variation 4818496 (VCV004818496.2).

ClinVar aggregate classification (germline): Pathogenic/Likely pathogenic. Review status: criteria provided, multiple submitters, no conflicts (2 of 4 stars). 2 submissions from 2 submitters: Pathogenic (1); Likely pathogenic (1). Last evaluated 2026-06-29.

Conditions:
CFTR-related disorder (CFTR-RD). Also called: CFTR-related condition; CFTR-related disorders. Identifiers: MedGen C5924204, MONDO:7770004.

Submissions (2):

PreventionGenetics, part of Exact Sciences
Classification: Likely pathogenic for CFTR-related condition. Last evaluated: 2026-06-29. Review status: criteria provided, single submitter. Criteria: ACMG Guidelines, 2015. Collection method: clinical testing. Allele origin: germline.
Comment: The CFTR c.2062A>T variant is predicted to result in premature protein termination (p.Lys688*). This variant has been reported along with another CFTR nonsense variant in an individual with cystic fibrosis (Supplemental data, Clarke et al. 2018. PubMed ID: 30488522). This variant has also been reported in two individuals with cystic fibrosis in the CFTR2 database (last updated January 30, 2026). This variant has not been reported in a large population database (gnomAD), indicating this variant is rare. Nonsense variants in CFTR are expected to be pathogenic. This variant is interpreted as likely pathogenic.

Natera, Inc.
Classification: Pathogenic for CFTR-related disorders. Last evaluated: 2025-12-02. Review status: criteria provided, single submitter. Criteria: Natera Variant Classification Schema (03/2026). Collection method: clinical testing. Allele origin: germline.
Comment: The c.2062A>T variant in CFTR is a nonsense variant predicted to introduce a stop codon at amino acid 688. This variant is expected to result in nonsense mediated decay, truncation, or a dysfunctional protein product. This variant is rare in the general population with a frequency below the threshold expected for the associated phenotype(s). This variant has been observed in one or more individuals affected with the associated recessive disease, as either homozygous or compound heterozygous with a second variant (PMID: 30488522). Given the available evidence, this variant is classified as Pathogenic.

Literature cited by the submitters: PubMed 30488522 (cited by Natera, Inc.).